The following is an entry in ClinVar:

NM_000136.3(FANCC):c.46A>G (p.Met16Val)

Gene: FANCC (FA complementation group C; minus strand). Cytogenetic location: 9q22.32.
Variant type: single nucleotide variant.
Coding change: c.46A>G on transcript NM_000136.3 (MANE Select); coding-DNA position 46, A replaced by G.
Protein change: p.Met16Val; replaces methionine 16 with valine.
Molecular consequence: missense variant.
Genome position (GRCh38, 1-based): chr9:95,249,246, T>C on the plus strand (A>G on the coding strand, the complement: FANCC is on the minus strand). VCF-style: chr9-95249246-T-C. GRCh37 (hg19) VCF-style: chr9-98011528-T-C.
Other names: c.46A>G, p.Met16Val (NM_001243743.2, NM_001243744.2); short protein forms M16V.
Identifiers: ClinVar variation 583038 (VCV000583038.15), dbSNP rs1390412870, ClinGen allele CA374340456.

ClinVar aggregate classification (germline): Uncertain significance. Review status: criteria provided, multiple submitters, no conflicts (2 of 4 stars). 5 submissions from 5 submitters: Uncertain significance (4). 1 of the submissions does not count toward it. Last evaluated 2026-04-20.

Conditions:
Fanconi anemia (FA). Also called: Fanconi's anemia. Identifiers: Orphanet 84, MedGen C0015625, MeSH D005199, MONDO:0019391.
Hereditary cancer-predisposing syndrome. Also called: Tumor predisposition; Hereditary Cancer Syndrome; Neoplastic Syndromes, Hereditary; Hereditary neoplastic syndrome. Identifiers: Orphanet 140162, MedGen C0027672, MeSH D009386, MONDO:0015356.
Fanconi anemia complementation group C (FANCC). Also called: FANCONI PANCYTOPENIA, TYPE 3; FACC; FANCC-Related Fanconi Anemia; Fanconi anemia, group C. Identifiers: Orphanet 84, MedGen C3468041, MONDO:0009213, OMIM 227645.

Allele frequency attached by ClinVar (database versions not stated): gnomAD 0.00001; TOPMed 0.00002.

Submissions (5):

Ambry Genetics
Classification: Uncertain significance for Hereditary cancer-predisposing syndrome. Last evaluated: 2026-04-20. Review status: criteria provided, single submitter. Criteria: Ambry Variant Classification Scheme 2023. Collection method: clinical testing. Allele origin: germline.

Labcorp Genetics (formerly Invitae), Labcorp
Classification: Uncertain significance for Fanconi anemia. Last evaluated: 2024-05-04. Review status: criteria provided, single submitter. Criteria: Invitae Variant Classification Sherloc (09022015). Collection method: clinical testing. Allele origin: germline.
Comment: This sequence change replaces methionine, which is neutral and non-polar, with valine, which is neutral and non-polar, at codon 16 of the FANCC protein (p.Met16Val). This variant is not present in population databases (gnomAD no frequency). This variant has not been reported in the literature in individuals affected with FANCC-related conditions. ClinVar contains an entry for this variant (Variation ID: 583038). Advanced modeling of protein sequence and biophysical properties (such as structural, functional, and spatial information, amino acid conservation, physicochemical variation, residue mobility, and thermodynamic stability) performed at Invitae indicates that this missense variant is not expected to disrupt FANCC protein function with a negative predictive value of 80%. In summary, the available evidence is currently insufficient to determine the role of this variant in disease. Therefore, it has been classified as a Variant of Uncertain Significance.

Women's Health and Genetics/Laboratory Corporation of America, LabCorp
Classification: Uncertain significance. Last evaluated: 2022-11-24. Review status: criteria provided, single submitter. Criteria: LabCorp Variant Classification Summary - May 2015. Collection method: clinical testing. Allele origin: germline.

Fulgent Genetics
Classification: Uncertain significance for Fanconi anemia complementation group C. Last evaluated: 2022-05-11. Review status: criteria provided, single submitter. Criteria: ACMG Guidelines, 2015. Collection method: clinical testing. Allele origin: unknown.

Natera, Inc.
Classification: Uncertain significance for Fanconi anemia. Last evaluated: 2018-07-29. Review status: no assertion criteria provided. Collection method: clinical testing. Allele origin: germline. Not counted in ClinVar's aggregate classification.